The following is an entry in ClinVar:

ClinVar aggregate classification (germline): Benign/Likely benign. Review status: criteria provided, multiple submitters, no conflicts (2 of 4 stars). 6 submissions from 6 submitters: Benign (2); Likely benign (3). 1 of the submissions does not count toward it. Last evaluated 2025-12-01.

Conditions:
CAMTA1-related disorder. Also called: CAMTA1-related condition.
Inborn genetic diseases. Identifiers: MedGen C0950123, MeSH D030342.

Allele frequency attached by ClinVar (database versions not stated): gnomAD exomes 0.00014; ExAC 0.00056; 1000 Genomes Project 0.00140; 1000 Genomes Project 30x 0.00141; gnomAD 0.00149; TOPMed 0.00164; ESP Exome Variant Server 0.00223.
gnomAD v4.1: 438 of 1,601,204 alleles (0.027%); highest among the groups gnomAD compares: African/African-American, 0.53%; 1 homozygote.

Submissions (6):

CeGaT Center for Human Genetics Tuebingen
Classification: Likely benign. Last evaluated: 2025-12-01. Review status: criteria provided, single submitter. Criteria: CeGaT Center For Human Genetics Tuebingen Variant Classification Criteria Version 2. Collection method: clinical testing. Allele origin: germline. Affected: yes. Observed: 1 variant allele.
Comment: CAMTA1: BS1

Labcorp Genetics (formerly Invitae), Labcorp
Classification: Benign. Last evaluated: 2025-04-08. Review status: criteria provided, single submitter. Criteria: Invitae Variant Classification Sherloc (09022015). Collection method: clinical testing. Allele origin: germline.

Ambry Genetics
Classification: Likely benign for Inborn genetic diseases. Last evaluated: 2024-12-30. Review status: criteria provided, single submitter. Criteria: Ambry Variant Classification Scheme 2023. Collection method: clinical testing. Allele origin: germline.

Blueprint Genetics
Classification: Likely benign. Last evaluated: 2024-09-16. Review status: criteria provided, single submitter. Criteria: ACMG Guidelines, 2015. Collection method: clinical testing. Allele origin: germline.

Mayo Clinic Laboratories, Mayo Clinic
Classification: Benign. Last evaluated: 2023-11-07. Review status: criteria provided, single submitter. Criteria: ACMG Guidelines, 2015. Collection method: clinical testing. Allele origin: germline. Observed: 4 variant alleles.
Comment: BA1, BS2, BP4

PreventionGenetics, part of Exact Sciences
Classification: Benign for CAMTA1-related condition. Last evaluated: 2020-08-07. Review status: no assertion criteria provided. Collection method: clinical testing. Allele origin: germline. Not counted in ClinVar's aggregate classification.
Comment: This variant is classified as benign based on ACMG/AMP sequence variant interpretation guidelines (Richards et al. 2015 PMID: 25741868, with internal and published modifications).

NM_015215.4(CAMTA1):c.3655C>G (p.Pro1219Ala)

Gene: CAMTA1 (calmodulin binding transcription activator 1; plus strand). Cytogenetic location: 1p36.23.
Variant type: single nucleotide variant.
Coding change: c.3655C>G on transcript NM_015215.4 (MANE Select); coding-DNA position 3655, C replaced by G.
Protein change: p.Pro1219Ala; replaces proline 1219 with alanine.
Molecular consequence: missense variant.
Genome position (GRCh38, 1-based): chr1:7,737,567, C>G. VCF-style: chr1-7737567-C-G. GRCh37 (hg19) VCF-style: chr1-7797627-C-G.
Other names: p.Pro1219Ala; c.727C>G, p.Pro243Ala (NM_001349618.2, NM_001349619.2, NM_001349620.1 and 10 more transcripts); c.3655C>G, p.Pro1219Ala (NM_001410737.1, NM_001349609.2, NM_001349610.2); c.3565C>G, p.Pro1189Ala (NM_001349608.2, NM_001349612.2); c.784C>G, p.Pro262Ala (NM_001349613.1); c.3583C>G, p.Pro1195Ala (NM_001410738.1); c.3655C>G (NM_015215.3, NM_015215.2); short protein forms P1189A, P243A, P1219A, P262A, P1195A.
Identifiers: ClinVar variation 2058069 (VCV002058069.14), dbSNP rs138322172, ClinGen allele CA566994.